The following is an entry in ClinVar:

ClinVar aggregate classification (germline): Conflicting classifications of pathogenicity. Review status: criteria provided, conflicting classifications (1 of 4 stars). 3 submissions from 3 submitters: Uncertain significance (2); Likely benign (1). Last evaluated 2023-05-24.

Conditions:
Inborn genetic diseases. Identifiers: MedGen C0950123, MeSH D030342.

Allele frequency attached by ClinVar (database versions not stated): ExAC 0.00001; gnomAD exomes 0.00001; gnomAD 0.00003; TOPMed 0.00006.
gnomAD v4.1: 24 of 1,605,872 alleles (0.0015%); highest among the groups gnomAD compares: Non-Finnish European, 0.0019%; no homozygotes.

Submissions (3):

Ambry Genetics
Classification: Uncertain significance for Inborn genetic diseases. Last evaluated: 2023-05-24. Review status: criteria provided, single submitter. Criteria: Ambry Variant Classification Scheme 2023. Collection method: clinical testing. Allele origin: germline.

Labcorp Genetics (formerly Invitae), Labcorp
Classification: Uncertain significance. Last evaluated: 2022-12-18. Review status: criteria provided, single submitter. Criteria: Invitae Variant Classification Sherloc (09022015). Collection method: clinical testing. Allele origin: germline.
Comment: This sequence change replaces serine, which is neutral and polar, with proline, which is neutral and non-polar, at codon 914 of the GPR179 protein (p.Ser914Pro). This variant is present in population databases (rs533029954, gnomAD 0.003%). This variant has not been reported in the literature in individuals affected with GPR179-related conditions. ClinVar contains an entry for this variant (Variation ID: 1420328). Algorithms developed to predict the effect of missense changes on protein structure and function output the following: SIFT: "Deleterious"; PolyPhen-2: "Benign"; Align-GVGD: "Class C0". The proline amino acid residue is found in multiple mammalian species, which suggests that this missense change does not adversely affect protein function. In summary, the available evidence is currently insufficient to determine the role of this variant in disease. Therefore, it has been classified as a Variant of Uncertain Significance.

Blueprint Genetics
Classification: Likely benign. Last evaluated: 2022-11-02. Review status: criteria provided, single submitter. Criteria: ACMG Guidelines, 2015. Collection method: clinical testing. Allele origin: germline.

NM_001004334.4(GPR179):c.2740T>C (p.Ser914Pro)

Gene: GPR179 (G protein-coupled receptor 179; minus strand). Cytogenetic location: 17q12.
Variant type: single nucleotide variant.
Coding change: c.2740T>C on transcript NM_001004334.4 (MANE Select); coding-DNA position 2740, T replaced by C.
Protein change: p.Ser914Pro; replaces serine 914 with proline.
Molecular consequence: missense variant.
Genome position (GRCh38, 1-based): chr17:38,330,829, A>G on the plus strand (T>C on the coding strand, the complement: GPR179 is on the minus strand). VCF-style: chr17-38330829-A-G. GRCh37 (hg19) VCF-style: chr17-36486712-A-G.
Other names: c.2740T>C (NM_001004334.2); short protein forms S914P.
Identifiers: ClinVar variation 1420328 (VCV001420328.8), dbSNP rs533029954, ClinGen allele CA290105595.